The following is an entry in ClinVar:

NM_020649.3(CBX8):c.429C>T (p.Arg143=)

Gene: CBX8 (chromobox 8; minus strand). Cytogenetic location: 17q25.3.
Variant type: single nucleotide variant.
Coding change: c.429C>T on transcript NM_020649.3 (MANE Select); coding-DNA position 429, C replaced by T.
Protein change: p.Arg143=; no amino-acid change (arginine 143 retained).
Molecular consequence: synonymous variant.
Genome position (GRCh38, 1-based): chr17:79,795,376, G>A on the plus strand (C>T on the coding strand, the complement: CBX8 is on the minus strand). VCF-style: chr17-79795376-G-A. GRCh37 (hg19) VCF-style: chr17-77769175-G-A.
Identifiers: ClinVar variation 2648390 (VCV002648390.24), dbSNP rs756697732, ClinGen allele CA8811753.

ClinVar aggregate classification (germline): Likely benign (1 of 4 stars; one submission).

Allele frequency attached by ClinVar (database versions not stated): gnomAD exomes 0.00001; TOPMed 0.00002; ExAC 0.00003; gnomAD 0.00004.
gnomAD v4.1: 31 of 1,598,842 alleles (0.0019%); highest among the groups gnomAD compares: African/African-American, 0.0067%; no homozygotes.

Submission:

CeGaT Center for Human Genetics Tuebingen
Classification: Likely benign. Last evaluated: 2022-10-01. Review status: criteria provided, single submitter. Criteria: CeGaT Center For Human Genetics Tuebingen Variant Classification Criteria Version 2. Collection method: clinical testing. Allele origin: germline. Affected: yes. Observed: 1 variant allele.
Comment: CBX8: BP4, BP7